The following is an entry in ClinVar:

ClinVar aggregate classification (germline): Conflicting classifications of pathogenicity. Review status: criteria provided, conflicting classifications (1 of 4 stars). 2 submissions from 2 submitters: Uncertain significance (1); Likely benign (1). Last evaluated 2025-12-16.

Allele frequency attached by ClinVar (database versions not stated): gnomAD exomes 0.00003 and 0.00007; ExAC 0.00007; ESP Exome Variant Server 0.00008; gnomAD 0.00023 and 0.00025; TOPMed 0.00034.
gnomAD v4.1: 78 of 1,613,712 alleles (0.0048%); highest among the groups gnomAD compares: African/African-American, 0.084%; no homozygotes.

Submissions (2):

Labcorp Genetics (formerly Invitae), Labcorp
Classification: Likely benign. Last evaluated: 2025-12-16. Review status: criteria provided, single submitter. Criteria: Invitae Variant Classification Sherloc (09022015). Collection method: clinical testing. Allele origin: germline.

Laboratory for Molecular Medicine, Mass General Brigham Personalized Medicine
Classification: Uncertain significance. Last evaluated: 2018-01-30. Review status: criteria provided, single submitter. Criteria: LMM Criteria. Collection method: clinical testing. Allele origin: germline. Observed: 1 variant allele.
Comment: The p.Leu39Gln variant in CEACAM16 has not been previously reported in individua ls with hearing loss, but has been identified in 0.08% (20/23988) of African chr omosomes by the Genome Aggregation Database (gnomAD, e.org/; dbSNP rs375722926). Although this variant has been seen in the general p opulation, its frequency is not high enough to rule out a pathogenic role. Compu tational prediction tools and conservation analysis do not provide strong suppor t for or against an impact to the protein. In summary, the clinical significanc e of the p.Leu39Gln variant is uncertain. ACMG/AMP criteria applied: None

NM_001039213.4(CEACAM16):c.116T>A (p.Leu39Gln)

Genes: CEACAM16 (CEA cell adhesion molecule 16, tectorial membrane component; plus strand), CEACAM16-AS1 (CEACAM16, CEACAM19 and PVR antisense RNA 1; minus strand). Cytogenetic location: 19q13.32.
Variant type: single nucleotide variant.
Coding change: c.116T>A on transcript NM_001039213.4 (MANE Select); coding-DNA position 116, T replaced by A.
Protein change: p.Leu39Gln; replaces leucine 39 with glutamine.
Molecular consequence: missense variant.
Genome position (GRCh38, 1-based): chr19:44,703,427, T>A. VCF-style: chr19-44703427-T-A. GRCh37 (hg19) VCF-style: chr19-45206697-T-A.
Other names: short protein forms L39Q.
Identifiers: ClinVar variation 504866 (VCV000504866.9), dbSNP rs375722926, ClinGen allele CA9502957.